The following is an entry in ClinVar:

ClinVar aggregate classification (germline): Uncertain significance (1 of 4 stars; one submission).

Conditions:
Epilepsy, familial focal, with variable foci 3 (FFEVF3). Identifiers: MedGen C4310708, MONDO:0014925, OMIM 617118.

Allele frequency attached by ClinVar (database versions not stated): ExAC 0.00001; gnomAD exomes 0.00002 and 0.00005; gnomAD 0.00003; TOPMed 0.00003.
gnomAD v4.1: 75 of 1,613,044 alleles (0.0046%); highest among the groups gnomAD compares: South Asian, 0.0077%; no homozygotes.

Submission:

Labcorp Genetics (formerly Invitae), Labcorp
Classification: Uncertain significance for Epilepsy, familial focal, with variable foci 3. Last evaluated: 2023-10-08. Review status: criteria provided, single submitter. Criteria: Invitae Variant Classification Sherloc (09022015). Collection method: clinical testing. Allele origin: germline.
Comment: This sequence change replaces arginine, which is basic and polar, with histidine, which is basic and polar, at codon 521 of the NPRL3 protein (p.Arg521His). This variant is present in population databases (rs758488510, gnomAD 0.01%), including at least one homozygous and/or hemizygous individual. This variant has not been reported in the literature in individuals affected with NPRL3-related conditions. ClinVar contains an entry for this variant (Variation ID: 1011350). Advanced modeling of protein sequence and biophysical properties (such as structural, functional, and spatial information, amino acid conservation, physicochemical variation, residue mobility, and thermodynamic stability) performed at Invitae indicates that this missense variant is not expected to disrupt NPRL3 protein function. In summary, the available evidence is currently insufficient to determine the role of this variant in disease. Therefore, it has been classified as a Variant of Uncertain Significance.

NM_001077350.3(NPRL3):c.1562G>A (p.Arg521His)

Gene: NPRL3 (NPR3 like, GATOR1 complex subunit; minus strand). Cytogenetic location: 16p13.3.
Variant type: single nucleotide variant.
Coding change: c.1562G>A on transcript NM_001077350.3 (MANE Select); coding-DNA position 1562, G replaced by A.
Protein change: p.Arg521His; replaces arginine 521 with histidine.
Molecular consequence: missense variant.
Genome position (GRCh38, 1-based): chr16:86,853, C>T on the plus strand (G>A on the coding strand, the complement: NPRL3 is on the minus strand). VCF-style: chr16-86853-C-T. GRCh37 (hg19) VCF-style: chr16-136852-C-T.
Other names: c.1025G>A, p.Arg342His (NM_001039476.3); c.1328G>A, p.Arg443His (NM_001243247.2); c.1487G>A, p.Arg496His (NM_001243248.2, NM_001243249.2); short protein forms R342H, R443H, R496H, R521H.
Identifiers: ClinVar variation 1011350 (VCV001011350.6), dbSNP rs758488510, ClinGen allele CA7769272.